The following is an entry in ClinVar:

NM_015693.4(INTU):c.212G>A (p.Ser71Asn)

Gene: INTU (inturned planar cell polarity protein; plus strand). Cytogenetic location: 4q28.1.
Variant type: single nucleotide variant.
Coding change: c.212G>A on transcript NM_015693.4 (MANE Select); coding-DNA position 212, G replaced by A.
Protein change: p.Ser71Asn; replaces serine 71 with asparagine.
Molecular consequence: missense variant.
Genome position (GRCh38, 1-based): chr4:127,643,586, G>A. VCF-style: chr4-127643586-G-A. GRCh37 (hg19) VCF-style: chr4-128564741-G-A.
Other names: short protein forms S71N.
Identifiers: ClinVar variation 1910955 (VCV001910955.5), dbSNP rs537026447, ClinGen allele CA105645933.

ClinVar aggregate classification (germline): Uncertain significance (1 of 4 stars; one submission).

Allele frequency attached by ClinVar (database versions not stated): gnomAD 0.00001.
gnomAD v4.1: 9 of 1,612,886 alleles (0.00056%); highest among the groups gnomAD compares: African/African-American, 0.0013%; no homozygotes.

Submission:

Labcorp Genetics (formerly Invitae), Labcorp
Classification: Uncertain significance. Last evaluated: 2025-05-27. Review status: criteria provided, single submitter. Criteria: Invitae Variant Classification Sherloc (09022015). Collection method: clinical testing. Allele origin: germline.
Comment: This sequence change replaces serine, which is neutral and polar, with asparagine, which is neutral and polar, at codon 71 of the INTU protein (p.Ser71Asn). This variant is not present in population databases (gnomAD no frequency). This variant has not been reported in the literature in individuals affected with INTU-related conditions. ClinVar contains an entry for this variant (Variation ID: 1910955). Invitae Evidence Modeling of protein sequence and biophysical properties (such as structural, functional, and spatial information, amino acid conservation, physicochemical variation, residue mobility, and thermodynamic stability) has been performed for this missense variant. However, the output from this modeling did not meet the statistical confidence thresholds required to predict the impact of this variant on INTU protein function. In summary, the available evidence is currently insufficient to determine the role of this variant in disease. Therefore, it has been classified as a Variant of Uncertain Significance.